The following is an entry in ClinVar:

ClinVar aggregate classification (germline): Pathogenic (1 of 4 stars; one submission).

Conditions:
LAMA2-related muscular dystrophy (LAMA2-RD). Also called: Laminin alpha 2-related dystrophy. Identifiers: MedGen C5679788, MONDO:0100228.

Submission:

Myriad Genetics, Inc.
Classification: Pathogenic for LAMA2-related muscular dystrophy. Last evaluated: 2025-01-18. Review status: criteria provided, single submitter. Criteria: Myriad Autosomal Dominant, Autosomal Recessive and X-Linked Classification Criteria (2023). Collection method: clinical testing. Allele origin: unknown.
Comment: NM_000426.3(LAMA2):c.1318G>T(G440*) is expected to be pathogenic in the context of muscular dystrophy, LAMA2-related. This variant is predicted to lead to an abnormal or absent protein product due to the creation of a premature termination codon in LAMA2, a gene where loss-of-function variants are known to be pathogenic. Please note: this variant was assessed in the context of healthy population screening.

NM_000426.4(LAMA2):c.1318G>T (p.Gly440Ter)

Gene: LAMA2 (laminin subunit alpha 2; plus strand). Cytogenetic location: 6q22.33.
Variant type: single nucleotide variant.
Coding change: c.1318G>T on transcript NM_000426.4 (MANE Select); coding-DNA position 1318, G replaced by T.
Protein change: p.Gly440Ter; replaces glycine 440 with a stop codon.
Molecular consequence: nonsense.
Genome position (GRCh38, 1-based): chr6:129,177,717, G>T. VCF-style: chr6-129177717-G-T. GRCh37 (hg19) VCF-style: chr6-129498862-G-T.
Other names: c.1318G>T, p.Gly440Ter (NM_001079823.2); short protein forms G440*.
Identifiers: ClinVar variation 5013983 (VCV005013983.1).
Genomic context (GRCh38, chr6:129,177,717, plus strand): 5'-ATTATGTACTTGTTTTAGAAATGTTGATATGTGGCTCATCTTTCTTTAGGTTTGGCACCT[G>T]GATCCTGTCATTGCAAAACTGGTTTTGGAGGTGTGAGCTGTGATCGGTGTGCCAGGGGCT-3'